The following is an entry in ClinVar:

ClinVar aggregate classification (germline): Uncertain significance (1 of 4 stars; one submission).

Submission:

GeneDx
Classification: Uncertain significance. Last evaluated: 2025-04-29. Review status: criteria provided, single submitter. Criteria: GeneDx Variant Classification Process June 2021. Collection method: clinical testing. Allele origin: germline. Affected: yes.
Comment: Not observed at significant frequency in large population cohorts (gnomAD); In silico analysis indicates that this missense variant does not alter protein structure/function; Has not been previously published as pathogenic or benign to our knowledge.

NM_001348323.3(TRIP12):c.2257G>T (p.Ala753Ser)

Gene: TRIP12 (thyroid hormone receptor interactor 12; minus strand). Cytogenetic location: 2q36.3.
Variant type: single nucleotide variant.
Coding change: c.2257G>T on transcript NM_001348323.3 (MANE Select); coding-DNA position 2257, G replaced by T.
Protein change: p.Ala753Ser; replaces alanine 753 with serine.
Molecular consequence: missense variant.
Genome position (GRCh38, 1-based): chr2:229,808,334, C>A on the plus strand (G>T on the coding strand, the complement: TRIP12 is on the minus strand). VCF-style: chr2-229808334-C-A. GRCh37 (hg19) VCF-style: chr2-230673050-C-A.
Other names: c.1222G>T, p.Ala408Ser (NM_001284216.2); c.2257G>T, p.Ala753Ser (NM_001348315.2, NM_001348319.1, NM_001348320.2 and 11 more transcripts); c.2131G>T, p.Ala711Ser (NM_001348316.2, NM_001348317.1, NM_001348318.2 and 2 more transcripts); c.2170G>T, p.Ala724Ser (NM_001348332.1); c.2113G>T, p.Ala705Ser (NM_004238.3); short protein forms A408S, A705S, A711S, A724S, A753S.
Identifiers: ClinVar variation 4527051 (VCV004527051.1).
Genomic context (GRCh38, chr2:229,808,334, plus strand): 5'-ACAACTCTTGAGGGCTTCGTGGAACAAGATCAATCTGTTCCTGACAACTTCCATTGGAGG[C>A]ACCACACAGGAGAAAGTGAAGCGTTTCTGCAATGTCTGTAAAAACCAACAACAAAAAACA-3'
Protein context (NP_001335252.1, residues 743-763): AETLHFLLCG[Ala753Ser]SNGSCQEQID